The following is an entry in ClinVar:

NM_001005373.4(LRSAM1):c.129+195dup

Gene: LRSAM1 (leucine rich repeat and sterile alpha motif containing 1; plus strand). Cytogenetic location: 9q33.3.
Variant type: Duplication.
Coding change: c.129+195dup on transcript NM_001005373.4 (MANE Select); 195 bases into the intron after coding-DNA position 129, one base duplicated (A; older notation c.129+195dupA).
Molecular consequence: intron variant.
Genome position (GRCh38, 1-based): chr9:127,455,249, A duplicated; the last of 2 consecutive A bases (chr9:127,455,248-127,455,249); duplicating either gives the same sequence. VCF-style (leftmost placement, unchanged base first): chr9-127455247-C-CA. GRCh37 (hg19) VCF-style: chr9-130217526-C-CA.
Other names: c.129+195dup (NM_138361.5, NM_001384142.1, NM_001384143.1 and 2 more transcripts); c.-656+195dup (NM_001384144.1).
Identifiers: ClinVar variation 1707256 (VCV001707256.2), dbSNP rs199681048, ClinGen allele CA199851444.

ClinVar aggregate classification (germline): Likely benign (1 of 4 stars; one submission).

Submission:

GeneDx
Classification: Likely benign. Last evaluated: 2021-04-07. Review status: criteria provided, single submitter. Criteria: GeneDx Variant Classification Process June 2021. Collection method: clinical testing. Allele origin: germline. Affected: yes.
Comment: See Variant Classification Assertion Criteria.